The following is an entry in ClinVar:

NM_000540.3(RYR1):c.7772G>A (p.Arg2591Gln)

Gene: RYR1 (ryanodine receptor 1; plus strand). Cytogenetic location: 19q13.2.
Variant type: single nucleotide variant.
Coding change: c.7772G>A on transcript NM_000540.3 (MANE Select); coding-DNA position 7772, G replaced by A.
Protein change: p.Arg2591Gln; replaces arginine 2591 with glutamine.
Molecular consequence: missense variant.
Genome position (GRCh38, 1-based): chr19:38,502,664, G>A. VCF-style: chr19-38502664-G-A. GRCh37 (hg19) VCF-style: chr19-38993304-G-A.
Other names: c.7772G>A, p.Arg2591Gln (NM_001042723.2); short protein forms R2591Q.
Identifiers: ClinVar variation 1002916 (VCV001002916.9), dbSNP rs758169018, ClinGen allele CA405672050.

ClinVar aggregate classification (germline): Uncertain significance (1 of 4 stars; one submission).

Conditions:
RYR1-related disorder. Also called: RYR1-related condition; RYR1-related disorders. Identifiers: MedGen CN239331.

Submission:

Labcorp Genetics (formerly Invitae), Labcorp
Classification: Uncertain significance for RYR1-related disorder. Last evaluated: 2024-03-29. Review status: criteria provided, single submitter. Criteria: Invitae Variant Classification Sherloc (09022015). Collection method: clinical testing. Allele origin: germline.
Comment: This sequence change replaces arginine, which is basic and polar, with glutamine, which is neutral and polar, at codon 2591 of the RYR1 protein (p.Arg2591Gln). This variant is not present in population databases (gnomAD no frequency). This variant has not been reported in the literature in individuals affected with RYR1-related conditions. ClinVar contains an entry for this variant (Variation ID: 1002916). Advanced modeling of protein sequence and biophysical properties (such as structural, functional, and spatial information, amino acid conservation, physicochemical variation, residue mobility, and thermodynamic stability) performed at Invitae indicates that this missense variant is not expected to disrupt RYR1 protein function with a negative predictive value of 95%. In summary, the available evidence is currently insufficient to determine the role of this variant in disease. Therefore, it has been classified as a Variant of Uncertain Significance.